The following is an entry in ClinVar:

NM_003982.4(SLC7A7):c.1381_1384del (p.Ile461fs)

Gene: SLC7A7 (solute carrier family 7 member 7; minus strand). Cytogenetic location: 14q11.2.
Variant type: Deletion.
Coding change: c.1381_1384del on transcript NM_003982.4 (MANE Select); coding-DNA positions 1381 to 1384, 4 bases deleted (ATCA; older notation c.1381_1384delATCA).
Protein change: p.Ile461fs; shifts the reading frame from isoleucine 461.
Molecular consequence: frameshift variant.
Genome position (GRCh38, 1-based): chr14:22,773,978-22,773,981, TGAT deleted on the plus strand (ATCA on the coding strand, the reverse complement: SLC7A7 is on the minus strand). VCF-style (leftmost placement, unchanged base first): chr14-22773977-CTGAT-C. GRCh37 (hg19) VCF-style: chr14-23243186-CTGAT-C.
Other names: c.1381_1384del, p.Ile461fs (NM_001126105.3, NM_001126106.4); short protein forms I461fs.
Identifiers: ClinVar variation 2678993 (VCV002678993.2), dbSNP rs2501832390, ClinGen allele CA2695199787.

ClinVar aggregate classification (germline): Pathogenic/Likely pathogenic. Review status: criteria provided, multiple submitters, no conflicts (2 of 4 stars). 2 submissions from 2 submitters: Pathogenic (1); Likely pathogenic (1). Last evaluated 2025-12-21.

Conditions:
Lysinuric protein intolerance (LPI). Identifiers: Orphanet 470, MedGen C0268647, MONDO:0009109, OMIM 222700.

Submissions (2):

Labcorp Genetics (formerly Invitae), Labcorp
Classification: Pathogenic for Lysinuric protein intolerance. Last evaluated: 2025-12-21. Review status: criteria provided, single submitter. Criteria: Invitae Variant Classification Sherloc (09022015). Collection method: clinical testing. Allele origin: germline.
Comment: This sequence change is expected to alter the c-terminus of the SLC7A7 protein (p.Ile461Glufs*57). While this is not anticipated to result in nonsense mediated decay, it is expected to disrupt the last 51 amino acid(s) of the SLC7A7 protein and extend the protein by 5 additional amino acid residues. This variant is not present in population databases (gnomAD no frequency). This frameshift has been observed in individual(s) with Inborn errors of immunity (PMID: 35482138). ClinVar contains an entry for this variant (Variation ID: 2678993). This variant disrupts a region of the SLC7A7 protein in which other variant(s) (p.Arg468*) have been determined to be pathogenic (PMID: 18716612). This suggests that this is a clinically significant region of the protein, and that variants that disrupt it are likely to be disease-causing. For these reasons, this variant has been classified as Pathogenic.

Baylor Genetics
Classification: Likely pathogenic for Lysinuric protein intolerance. Last evaluated: 2022-05-07. Review status: criteria provided, single submitter. Criteria: ACMG Guidelines, 2015. Collection method: clinical testing. Allele origin: unknown.

Literature cited by the submitters: PubMed 35482138 (cited by Labcorp Genetics (formerly Invitae), Labcorp); PubMed 18716612 (cited by Labcorp Genetics (formerly Invitae), Labcorp).